The following is an entry in ClinVar:

ClinVar aggregate classification (germline): Benign/Likely benign. Review status: criteria provided, multiple submitters, no conflicts (2 of 4 stars). 3 submissions from 3 submitters: Benign (1); Likely benign (2). Last evaluated 2025-10-01.

Allele frequency attached by ClinVar (database versions not stated): TOPMed 0.00014; gnomAD 0.00034 and 0.00036; 1000 Genomes Project 0.00040; gnomAD exomes 0.00041 and 0.00049; 1000 Genomes Project 30x 0.00047; ExAC 0.00070.
gnomAD v4.1: 642 of 1,608,478 alleles (0.04%); highest among the groups gnomAD compares: South Asian, 0.14%; 1 homozygote.

Submissions (3):

CeGaT Center for Human Genetics Tuebingen
Classification: Likely benign. Last evaluated: 2025-10-01. Review status: criteria provided, single submitter. Criteria: CeGaT Center For Human Genetics Tuebingen Variant Classification Criteria Version 2. Collection method: clinical testing. Allele origin: germline. Affected: yes. Observed: 1 variant allele.
Comment: PACS2: BP4, BP7

Labcorp Genetics (formerly Invitae), Labcorp
Classification: Benign. Last evaluated: 2025-07-02. Review status: criteria provided, single submitter. Criteria: Invitae Variant Classification Sherloc (09022015). Collection method: clinical testing. Allele origin: germline.

Blueprint Genetics
Classification: Likely benign. Last evaluated: 2024-11-11. Review status: criteria provided, single submitter. Criteria: ACMG Guidelines, 2015. Collection method: clinical testing. Allele origin: germline.

NM_001100913.3(PACS2):c.2121C>T (p.Gly707=)

Gene: PACS2 (phosphofurin acidic cluster sorting protein 2; plus strand). Cytogenetic location: 14q32.33.
Variant type: single nucleotide variant.
Coding change: c.2121C>T on transcript NM_001100913.3 (MANE Select); coding-DNA position 2121, C replaced by T.
Protein change: p.Gly707=; no amino-acid change (glycine 707 retained).
Molecular consequence: synonymous variant.
Genome position (GRCh38, 1-based): chr14:105,391,632, C>T. VCF-style: chr14-105391632-C-T. GRCh37 (hg19) VCF-style: chr14-105857969-C-T.
Other names: c.1851C>T, p.Gly617= (NM_001243127.3); c.2076C>T, p.Gly692= (NM_015197.4).
Identifiers: ClinVar variation 1588835 (VCV001588835.15), dbSNP rs200112087, ClinGen allele CA7389161.
Genomic context (GRCh38, chr14:105,391,632, plus strand): 5'-GGTGGCACCCGGGCAGAGCAGCAGGTGGGCTCAGCCTGCCCTGTGACTCCTCCCCAAAGG[C>T]GACTCGGACGACGCGGCCCCCTCGGGCTCTGGCACGCTCTCCTCCACCCCGCCGTCCGCA-3'
Protein context (NP_001094383.2, residues 697-717): GIVEPSSATS[Gly707=]DSDDAAPSGS